The following is an entry in ClinVar:

ClinVar aggregate classification (germline): Uncertain significance (1 of 4 stars; one submission).

Submission:

GeneDx
Classification: Uncertain significance. Last evaluated: 2020-01-16. Review status: criteria provided, single submitter. Criteria: GeneDx Variant Classification Process June 2021. Collection method: clinical testing. Allele origin: germline. Affected: yes.
Comment: Has not been previously published as pathogenic or benign to our knowledge; Not observed in large population cohorts (Lek et al., 2016); In silico analysis, which includes protein predictors and evolutionary conservation, supports a deleterious effect

NM_001330311.2(DVL1):c.1339G>A (p.Gly447Arg)

Gene: DVL1 (dishevelled segment polarity protein 1; minus strand). Cytogenetic location: 1p36.33.
Variant type: single nucleotide variant.
Coding change: c.1339G>A on transcript NM_001330311.2 (MANE Select); coding-DNA position 1339, G replaced by A.
Protein change: p.Gly447Arg; replaces glycine 447 with arginine.
Molecular consequence: missense variant.
Genome position (GRCh38, 1-based): chr1:1,338,522, C>T on the plus strand (G>A on the coding strand, the complement: DVL1 is on the minus strand). VCF-style: chr1-1338522-C-T. GRCh37 (hg19) VCF-style: chr1-1273902-C-T.
Other names: c.1264G>A, p.Gly422Arg (NM_004421.3); short protein forms G422R, G447R.
Identifiers: ClinVar variation 1311163 (VCV001311163.2), dbSNP rs764307176, ClinGen allele CA337863084.